The following is an entry in ClinVar:

NM_003640.5(ELP1):c.2588-2A>G

Gene: ELP1 (elongator acetyltransferase complex subunit 1; minus strand). Cytogenetic location: 9q31.3.
Variant type: single nucleotide variant.
Coding change: c.2588-2A>G on transcript NM_003640.5 (MANE Select); the canonical splice acceptor site of the intron before coding-DNA position 2588, A replaced by G.
Molecular consequence: splice acceptor variant.
Genome position (GRCh38, 1-based): chr9:108,896,646, T>C on the plus strand (A>G on the coding strand, the complement: ELP1 is on the minus strand). VCF-style: chr9-108896646-T-C. GRCh37 (hg19) VCF-style: chr9-111658926-T-C.
Other names: c.2588-2A>G (NM_003640.4); c.2246-2A>G (NM_001318360.2); c.1541-2A>G (NM_001330749.2).
Identifiers: ClinVar variation 2102471 (VCV002102471.5), dbSNP rs2537889340, ClinGen allele CA374420203.

ClinVar aggregate classification (germline): Likely pathogenic. Review status: criteria provided, multiple submitters, no conflicts (2 of 4 stars). 2 submissions from 2 submitters: Likely pathogenic (2). Last evaluated 2025-05-02.

Conditions:
Familial dysautonomia. Also called: HSAN III; FD. Identifiers: Orphanet 1764, MedGen C0013364, MONDO:0009131, OMIM 223900. Disease mechanism: loss of function.

Submissions (2):

Natera, Inc.
Classification: Likely pathogenic for Familial dysautonomia. Last evaluated: 2025-05-02. Review status: criteria provided, single submitter. Criteria: Natera Variant Classification Schema (03/2026). Collection method: clinical testing. Allele origin: germline.
Comment: The c.2588-2A>G variant in ELP1 is a canonical splice acceptor site variant predicted to affect pre-mRNA splicing, which may result in an abnormal transcript and altered protein product. This variant is expected to result in nonsense mediated decay, truncation, or a dysfunctional protein product. This variant is rare in the general population with a frequency below the threshold expected for the associated phenotype(s). Given the available evidence, this variant is classified as Likely Pathogenic.

Labcorp Genetics (formerly Invitae), Labcorp
Classification: Likely pathogenic. Last evaluated: 2022-02-23. Review status: criteria provided, single submitter. Criteria: Invitae Variant Classification Sherloc (09022015). Collection method: clinical testing. Allele origin: germline.
Comment: This variant is not present in population databases (gnomAD no frequency). In summary, the currently available evidence indicates that the variant is pathogenic, but additional data are needed to prove that conclusively. Therefore, this variant has been classified as Likely Pathogenic. Algorithms developed to predict the effect of sequence changes on RNA splicing suggest that this variant may disrupt the consensus splice site. This variant has not been reported in the literature in individuals affected with ELP1-related conditions. This sequence change affects an acceptor splice site in intron 24 of the ELP1 gene. It is expected to disrupt RNA splicing. Variants that disrupt the donor or acceptor splice site typically lead to a loss of protein function (PMID: 16199547), and loss-of-function variants in ELP1 are known to be pathogenic (PMID: 18303054, 24173031).

Literature cited by the submitters: PubMed 16199547 (cited by Labcorp Genetics (formerly Invitae), Labcorp); PubMed 18303054 (cited by Labcorp Genetics (formerly Invitae), Labcorp); PubMed 24173031 (cited by Labcorp Genetics (formerly Invitae), Labcorp).